The following is an entry in ClinVar:

ClinVar aggregate classification (germline): Uncertain significance. Review status: criteria provided, multiple submitters, no conflicts (2 of 4 stars). 2 submissions from 2 submitters: Uncertain significance (2). Last evaluated 2025-08-29.

Conditions:
Spastic paraplegia. Identifiers: MedGen C0037772, HP:0001258.
Inborn genetic diseases. Identifiers: MedGen C0950123, MeSH D030342.

Allele frequency attached by ClinVar (database versions not stated): TOPMed below 0.00001; gnomAD 0.00001.
gnomAD v4.1: 5 of 1,612,112 alleles (0.00031%); highest among the groups gnomAD compares: Non-Finnish European, 0.00042%; no homozygotes.

Submissions (2):

Ambry Genetics
Classification: Uncertain significance for Inborn genetic diseases. Last evaluated: 2025-08-29. Review status: criteria provided, single submitter. Criteria: Ambry Variant Classification Scheme 2023. Collection method: clinical testing. Allele origin: germline.

Labcorp Genetics (formerly Invitae), Labcorp
Classification: Uncertain significance for Spastic paraplegia. Last evaluated: 2022-06-28. Review status: criteria provided, single submitter. Criteria: Invitae Variant Classification Sherloc (09022015). Collection method: clinical testing. Allele origin: germline.
Comment: In summary, the available evidence is currently insufficient to determine the role of this variant in disease. Therefore, it has been classified as a Variant of Uncertain Significance. Algorithms developed to predict the effect of missense changes on protein structure and function are either unavailable or do not agree on the potential impact of this missense change (SIFT: "Tolerated"; PolyPhen-2: "Probably Damaging"; Align-GVGD: "Class C0"). This variant has not been reported in the literature in individuals affected with AP4E1-related conditions. This variant is not present in population databases (gnomAD no frequency). This sequence change replaces serine, which is neutral and polar, with proline, which is neutral and non-polar, at codon 522 of the AP4E1 protein (p.Ser522Pro).

NM_007347.5(AP4E1):c.1564T>C (p.Ser522Pro)

Gene: AP4E1 (adaptor related protein complex 4 subunit epsilon 1; plus strand). Cytogenetic location: 15q21.2.
Variant type: single nucleotide variant.
Coding change: c.1564T>C on transcript NM_007347.5 (MANE Select); coding-DNA position 1564, T replaced by C.
Protein change: p.Ser522Pro; replaces serine 522 with proline.
Molecular consequence: missense variant.
Genome position (GRCh38, 1-based): chr15:50,958,507, T>C. VCF-style: chr15-50958507-T-C. GRCh37 (hg19) VCF-style: chr15-51250704-T-C.
Other names: c.1564T>C (NM_007347.3); c.1339T>C, p.Ser447Pro (NM_001252127.2); short protein forms S447P, S522P.
Identifiers: ClinVar variation 2081988 (VCV002081988.4), dbSNP rs760209129, ClinGen allele CA7559116.